The following is an entry in ClinVar:

ClinVar aggregate classification (germline): Conflicting classifications of pathogenicity. Review status: criteria provided, conflicting classifications (1 of 4 stars). 3 submissions from 3 submitters: Uncertain significance (2); Likely benign (1). Last evaluated 2025-10-02.

Conditions:
Inborn genetic diseases. Identifiers: MedGen C0950123, MeSH D030342.

Allele frequency attached by ClinVar (database versions not stated): gnomAD exomes 0.00002; gnomAD 0.00003; TOPMed 0.00003; ExAC 0.00011.
gnomAD v4.1: 37 of 1,576,360 alleles (0.0023%); highest among the groups gnomAD compares: Non-Finnish European, 0.0031%; no homozygotes.

Submissions (3):

Labcorp Genetics (formerly Invitae), Labcorp
Classification: Likely benign. Last evaluated: 2025-10-02. Review status: criteria provided, single submitter. Criteria: Invitae Variant Classification Sherloc (09022015). Collection method: clinical testing. Allele origin: germline.

Ambry Genetics
Classification: Uncertain significance for Inborn genetic diseases. Last evaluated: 2025-08-20. Review status: criteria provided, single submitter. Criteria: Ambry Variant Classification Scheme 2023. Collection method: clinical testing. Allele origin: germline.

Greenwood Genetic Center Diagnostic Laboratories, Greenwood Genetic Center
Classification: Uncertain significance. Last evaluated: 2021-09-09. Review status: criteria provided, single submitter. Criteria: ACMG Guidelines, 2015. Collection method: clinical testing. Allele origin: germline. Affected: yes.
Comment: PM2

NM_015559.3(SETBP1):c.62C>T (p.Pro21Leu)

Gene: SETBP1 (SET binding protein 1; plus strand). Cytogenetic location: 18q12.3.
Variant type: single nucleotide variant.
Coding change: c.62C>T on transcript NM_015559.3 (MANE Select); coding-DNA position 62, C replaced by T.
Protein change: p.Pro21Leu; replaces proline 21 with leucine.
Molecular consequence: missense variant.
Genome position (GRCh38, 1-based): chr18:44,701,408, C>T. VCF-style: chr18-44701408-C-T. GRCh37 (hg19) VCF-style: chr18-42281373-C-T.
Other names: c.62C>T, p.Pro21Leu (NM_001130110.2, NM_001379141.1, NM_001379142.1); c.62C>T (NM_015559.2); short protein forms P21L.
Identifiers: ClinVar variation 1334584 (VCV001334584.12), dbSNP rs758194735, ClinGen allele CA8945320.